The following is an entry in ClinVar:

NM_004525.3(LRP2):c.677A>G (p.Gln226Arg)

Gene: LRP2 (LDL receptor related protein 2; minus strand). Cytogenetic location: 2q31.1.
Variant type: single nucleotide variant.
Coding change: c.677A>G on transcript NM_004525.3 (MANE Select); coding-DNA position 677, A replaced by G.
Protein change: p.Gln226Arg; replaces glutamine 226 with arginine.
Molecular consequence: missense variant.
Genome position (GRCh38, 1-based): chr2:169,292,345, T>C on the plus strand (A>G on the coding strand, the complement: LRP2 is on the minus strand). VCF-style: chr2-169292345-T-C. GRCh37 (hg19) VCF-style: chr2-170148855-T-C.
Other names: short protein forms Q226R.
Identifiers: ClinVar variation 1477722 (VCV001477722.8), dbSNP rs2105469277, ClinGen allele CA349160249.
Genomic context (GRCh38, chr2:169,292,345, plus strand): 5'-TCATCTTCTCCATCACAAACCCAGTTTTGATAAATGCATCGGCCACTGGGGCAAGTGAAC[T>C]GGTAACCACCGCAGGTCGGATAGTCTGGAATAAAGCAACAGCTGCACTCCAAAGACACAA-3'
Protein context (NP_004516.2, residues 216-236): ACNYPTCGGY[Gln226Arg]FTCPSGRCIY

ClinVar aggregate classification (germline): Uncertain significance (1 of 4 stars; one submission).

Submission:

Labcorp Genetics (formerly Invitae), Labcorp
Classification: Uncertain significance. Last evaluated: 2021-03-29. Review status: criteria provided, single submitter. Criteria: Invitae Variant Classification Sherloc (09022015). Collection method: clinical testing. Allele origin: germline.
Comment: In summary, the available evidence is currently insufficient to determine the role of this variant in disease. Therefore, it has been classified as a Variant of Uncertain Significance. This sequence change replaces glutamine with arginine at codon 226 of the LRP2 protein (p.Gln226Arg). The glutamine residue is moderately conserved and there is a small physicochemical difference between glutamine and arginine. This variant is not present in population databases (ExAC no frequency). This variant has not been reported in the literature in individuals with LRP2-related conditions. Algorithms developed to predict the effect of missense changes on protein structure and function are either unavailable or do not agree on the potential impact of this missense change (SIFT: "Tolerated"; PolyPhen-2: "Possibly Damaging"; Align-GVGD: "Class C0").